The following is an entry in ClinVar:

NM_000193.4(SHH):c.487C>T (p.Arg163Cys)

Gene: SHH (sonic hedgehog signaling molecule; minus strand). Cytogenetic location: 7q36.3.
Variant type: single nucleotide variant.
Coding change: c.487C>T on transcript NM_000193.4 (MANE Select); coding-DNA position 487, C replaced by T.
Protein change: p.Arg163Cys; replaces arginine 163 with cysteine.
Molecular consequence: missense variant. On other transcripts: non-coding transcript variant (2).
Genome position (GRCh38, 1-based): chr7:155,806,371, G>A on the plus strand (C>T on the coding strand, the complement: SHH is on the minus strand). VCF-style: chr7-155806371-G-A. GRCh37 (hg19) VCF-style: chr7-155599065-G-A.
Other names: c.226C>T, p.Arg76Cys (NM_001310462.2); short protein forms R163C, R76C.
Identifiers: ClinVar variation 4538892 (VCV004538892.1).

ClinVar aggregate classification (germline): Uncertain significance (1 of 4 stars; one submission).

Submission:

GeneDx
Classification: Uncertain significance. Last evaluated: 2025-06-18. Review status: criteria provided, single submitter. Criteria: GeneDx Variant Classification Process June 2021. Collection method: clinical testing. Allele origin: germline. Affected: yes.
Comment: Not observed at significant frequency in large population cohorts (gnomAD); In silico analysis supports that this missense variant has a deleterious effect on protein structure/function; Has not been previously published as pathogenic or benign to our knowledge